The following is an entry in ClinVar:

ClinVar aggregate classification (germline): Pathogenic. Review status: reviewed by expert panel (3 of 4 stars). 2 submissions from 2 submitters: Pathogenic (1). 1 of the submissions does not count toward it. Last evaluated 2016-10-18.

Conditions:
Breast-ovarian cancer, familial, susceptibility to, 2 (BROVCA2). Also called: BRCA2 Hereditary Breast and Ovarian Cancer. Identifiers: Orphanet 145, MedGen C2675520, MONDO:0012933, OMIM 612555. Disease mechanism: loss of function.

Submissions (2):

Evidence-based Network for the Interpretation of Germline Mutant Alleles (ENIGMA)
Classification: Pathogenic for Breast-ovarian cancer, familial, susceptibility to, 2. Last evaluated: 2016-10-18. Review status: reviewed by expert panel. Criteria: ENIGMA BRCA1/2 Classification Criteria (2015). Collection method: curation. Allele origin: germline.
Comment: Variant allele predicted to encode a truncated non-functional protein.

Consortium of Investigators of Modifiers of BRCA1/2 (CIMBA), c/o University of Cambridge
Classification: Pathogenic for Breast-ovarian cancer, familial, susceptibility to, 2. Last evaluated: 2015-10-02. Review status: criteria provided, single submitter. Criteria: CIMBA Mutation Classification guidelines May 2016. Collection method: clinical testing. Allele origin: germline. Not counted in ClinVar's aggregate classification.

NM_000059.4(BRCA2):c.6753_6754del (p.Leu2253fs)

Gene: BRCA2 (BRCA2 DNA repair associated; plus strand). Cytogenetic location: 13q13.1.
Variant type: Deletion.
Coding change: c.6753_6754del on transcript NM_000059.4 (MANE Select); coding-DNA positions 6753 to 6754, 2 bases deleted (TT; older notation c.6753_6754delTT).
Protein change: p.Leu2253fs; shifts the reading frame from leucine 2253.
Molecular consequence: frameshift variant.
Genome position (GRCh38, 1-based): chr13:32,341,108-32,341,109, TT deleted. VCF-style (leftmost placement, unchanged base first): chr13-32341107-ATT-A. GRCh37 (hg19) VCF-style: chr13-32915244-ATT-A.
Other names: 6981delTT; short protein forms L2253fs.
Identifiers: ClinVar variation 266974 (VCV000266974.7), dbSNP rs886040676, ClinGen allele CA10589402.
Genomic context (GRCh38, chr13:32,341,107, plus strand): 5'-CTAAAGCTTTTATGGAAGATGATGAACTGACAGATTCTAAACTGCCAAGTCATGCCACAC[ATT>A]CTCTTTTTACATGTCCCGAAAATGAGGAAATGGTTTTGTCAAATTCAAGAATTGGAAAAA-3'